The following is an entry in ClinVar:

ClinVar aggregate classification (germline): Uncertain significance. Review status: criteria provided, multiple submitters, no conflicts (2 of 4 stars). 2 submissions from 2 submitters: Uncertain significance (2). Last evaluated 2026-03-19.

Conditions:
Inborn genetic diseases. Identifiers: MedGen C0950123, MeSH D030342.

Submissions (2):

Ambry Genetics
Classification: Uncertain significance for Inborn genetic diseases. Last evaluated: 2026-03-19. Review status: criteria provided, single submitter. Criteria: Ambry Variant Classification Scheme 2023. Collection method: clinical testing. Allele origin: germline.

GeneDx
Classification: Uncertain significance. Last evaluated: 2025-01-06. Review status: criteria provided, single submitter. Criteria: GeneDx Variant Classification Process June 2021. Collection method: clinical testing. Allele origin: germline. Affected: yes.
Comment: Not observed at significant frequency in large population cohorts (gnomAD); In silico analysis indicates that this missense variant does not alter protein structure/function; Has not been previously published as pathogenic or benign to our knowledge

NM_004974.4(KCNA2):c.1387G>A (p.Glu463Lys)

Gene: KCNA2 (potassium voltage-gated channel subfamily A member 2; minus strand). Cytogenetic location: 1p13.3.
Variant type: single nucleotide variant.
Coding change: c.1387G>A on transcript NM_004974.4 (MANE Select); coding-DNA position 1387, G replaced by A.
Protein change: p.Glu463Lys; replaces glutamic acid 463 with lysine.
Molecular consequence: missense variant. On other transcripts: intron variant (1).
Genome position (GRCh38, 1-based): chr1:110,603,396, C>T on the plus strand (G>A on the coding strand, the complement: KCNA2 is on the minus strand). VCF-style: chr1-110603396-C-T. GRCh37 (hg19) VCF-style: chr1-111146018-C-T.
Other names: c.894+493G>A (NM_001204269.2); short protein forms E463K.
Identifiers: ClinVar variation 4055966 (VCV004055966.2).
Genomic context (GRCh38, chr1:110,603,396, plus strand): 5'-TACAGTTGGCTGTTTTCAAGTTTTCCTCTCTAAAGTCCTCATTACTGTTATTTACACCCT[C>T]CTGGATCTCCATGTAATCAGACTTACTAATGGTAGAGGCACTTCTACTTTTCTTTAGGTC-3'
Protein context (NP_004965.1, residues 453-473): ISKSDYMEIQ[Glu463Lys]GVNNSNEDFR